The following is an entry in ClinVar:

ClinVar aggregate classification (germline): Uncertain significance (1 of 4 stars; one submission).

gnomAD v4.1: 1 of 1,613,580 alleles (0.000062%); no homozygotes.

Submission:

GeneDx
Classification: Uncertain significance. Last evaluated: 2024-06-29. Review status: criteria provided, single submitter. Criteria: GeneDx Variant Classification Process June 2021. Collection method: clinical testing. Allele origin: germline. Affected: yes.
Comment: Not observed at significant frequency in large population cohorts (gnomAD); In silico analysis indicates that this missense variant does not alter protein structure/function; Has not been previously published as pathogenic or benign to our knowledge

NM_002180.3(IGHMBP2):c.2356G>A (p.Ala786Thr)

Gene: IGHMBP2 (immunoglobulin mu DNA binding protein 2; plus strand). Cytogenetic location: 11q13.3.
Variant type: single nucleotide variant.
Coding change: c.2356G>A on transcript NM_002180.3 (MANE Select); coding-DNA position 2356, G replaced by A.
Protein change: p.Ala786Thr; replaces alanine 786 with threonine.
Molecular consequence: missense variant.
Genome position (GRCh38, 1-based): chr11:68,936,836, G>A. VCF-style: chr11-68936836-G-A. GRCh37 (hg19) VCF-style: chr11-68704304-G-A.
Other names: short protein forms A786T.
Identifiers: ClinVar variation 3392573 (VCV003392573.1).